The following is an entry in ClinVar:

NM_001395413.1(POR):c.182C>T (p.Thr61Ile)

Gene: POR (cytochrome p450 oxidoreductase; plus strand). Cytogenetic location: 7q11.23.
Variant type: single nucleotide variant.
Coding change: c.182C>T on transcript NM_001395413.1 (MANE Select); coding-DNA position 182, C replaced by T.
Protein change: p.Thr61Ile; replaces threonine 61 with isoleucine.
Molecular consequence: missense variant.
Genome position (GRCh38, 1-based): chr7:75,972,415, C>T. VCF-style: chr7-75972415-C-T. GRCh37 (hg19) VCF-style: chr7-75601733-C-T.
Other names: c.182C>T, p.Thr61Ile (NM_001367562.3, NM_001382657.2, NM_001382658.3 and 2 more transcripts); c.236C>T, p.Thr79Ile (NM_001382655.3); c.191C>T (NM_000941.2); short protein forms T61I, T79I.
Identifiers: ClinVar variation 1412268 (VCV001412268.7), dbSNP rs868909994, ClinGen allele CA367747106.

ClinVar aggregate classification (germline): Uncertain significance. Review status: criteria provided, multiple submitters, no conflicts (2 of 4 stars). 3 submissions from 3 submitters: Uncertain significance (3). Last evaluated 2025-06-06.

Conditions:
POR-related disorder. Also called: POR-related condition.
Inborn genetic diseases. Identifiers: MedGen C0950123, MeSH D030342.
Congenital adrenal hyperplasia due to cytochrome P450 oxidoreductase deficiency. Also called: DISORDERED STEROIDOGENESIS DUE TO POR DEFICIENCY. Identifiers: Orphanet 95699, MedGen C1860042, MONDO:0013310, OMIM 613571.

Allele frequency attached by ClinVar (database versions not stated): TOPMed below 0.00001; gnomAD 0.00001; gnomAD exomes 0.00002.
gnomAD v4.1: 31 of 1,610,098 alleles (0.0019%); highest among the groups gnomAD compares: Middle Eastern, 0.066%; 1 homozygote.

Submissions (3):

Ambry Genetics
Classification: Uncertain significance for Inborn genetic diseases. Last evaluated: 2025-06-06. Review status: criteria provided, single submitter. Criteria: Ambry Variant Classification Scheme 2023. Collection method: clinical testing. Allele origin: germline.

PreventionGenetics, part of Exact Sciences
Classification: Uncertain significance for POR-related condition. Last evaluated: 2024-11-20. Review status: criteria provided, single submitter. Criteria: ACMG Guidelines, 2015. Collection method: clinical testing. Allele origin: germline.
Comment: The POR c.191C>T variant is predicted to result in the amino acid substitution p.Thr64Ile. To our knowledge, this variant has not been reported in the literature. In gnomAD v4 (available only on GRCh38), this variant is reported in 0.023% of alleles in individuals of African/African American descent, including one homozygote. At this time, the clinical significance of this variant is uncertain due to the absence of conclusive functional and genetic evidence.

Labcorp Genetics (formerly Invitae), Labcorp
Classification: Uncertain significance for Congenital adrenal hyperplasia due to cytochrome P450 oxidoreductase deficiency. Last evaluated: 2021-08-30. Review status: criteria provided, single submitter. Criteria: Invitae Variant Classification Sherloc (09022015). Collection method: clinical testing. Allele origin: germline.
Comment: This sequence change replaces threonine with isoleucine at codon 64 of the POR protein (p.Thr64Ile). The threonine residue is weakly conserved and there is a moderate physicochemical difference between threonine and isoleucine. This variant is not present in population databases (ExAC no frequency). This variant has not been reported in the literature in individuals affected with POR-related conditions. Algorithms developed to predict the effect of missense changes on protein structure and function (SIFT, PolyPhen-2, Align-GVGD) all suggest that this variant is likely to be tolerated. In summary, the available evidence is currently insufficient to determine the role of this variant in disease. Therefore, it has been classified as a Variant of Uncertain Significance.